The following is an entry in ClinVar:

NM_001164508.2(NEB):c.22672A>T (p.Asn7558Tyr)

Genes: NEB (nebulin; minus strand), RIF1 (replication timing regulatory factor 1; plus strand). Cytogenetic location: 2q23.3.
Variant type: single nucleotide variant.
Coding change: c.22672A>T on transcript NM_001164508.2 (MANE Select); coding-DNA position 22672, A replaced by T.
Protein change: p.Asn7558Tyr; replaces asparagine 7558 with tyrosine.
Molecular consequence: missense variant.
Genome position (GRCh38, 1-based): chr2:151,518,988, T>A on the plus strand (A>T on the coding strand, the complement: NEB is on the minus strand). VCF-style: chr2-151518988-T-A. GRCh37 (hg19) VCF-style: chr2-152375502-T-A.
Other names: c.22672A>T, p.Asn7558Tyr (NM_001164507.2); c.22777A>T, p.Asn7593Tyr (NM_001271208.2); c.17569A>T, p.Asn5857Tyr (NM_004543.5); short protein forms N7593Y, N7558Y, N5857Y.
Identifiers: ClinVar variation 392424 (VCV000392424.5), dbSNP rs771643485, ClinGen allele CA1906574.

ClinVar aggregate classification (germline): Uncertain significance. Review status: criteria provided, multiple submitters, no conflicts (2 of 4 stars). 3 submissions from 3 submitters: Uncertain significance (2). 1 of the submissions does not count toward it. Last evaluated 2022-01-03.

Conditions:
Nemaline myopathy 2 (NEM2). Also called: Nemaline myopathy 2, autosomal recessive. Identifiers: MedGen C1850569, MONDO:0009725, OMIM 256030.

Allele frequency attached by ClinVar (database versions not stated): gnomAD exomes 0.00001; ExAC 0.00002.
gnomAD v4.1: 4 of 1,613,344 alleles (0.00025%); highest among the groups gnomAD compares: South Asian, 0.0022%; no homozygotes.

Submissions (3):

Labcorp Genetics (formerly Invitae), Labcorp
Classification: Uncertain significance for Nemaline myopathy 2. Last evaluated: 2022-01-03. Review status: criteria provided, single submitter. Criteria: Invitae Variant Classification Sherloc (09022015). Collection method: clinical testing. Allele origin: germline.
Comment: This sequence change replaces asparagine, which is neutral and polar, with tyrosine, which is neutral and polar, at codon 7593 of the NEB protein (p.Asn7593Tyr). This variant is present in population databases (rs771643485, gnomAD 0.003%). This variant has not been reported in the literature in individuals affected with NEB-related conditions. ClinVar contains an entry for this variant (Variation ID: 392424). Algorithms developed to predict the effect of missense changes on protein structure and function are either unavailable or do not agree on the potential impact of this missense change (SIFT: "Deleterious"; PolyPhen-2: "Not Available"; Align-GVGD: "Class C0"). In summary, the available evidence is currently insufficient to determine the role of this variant in disease. Therefore, it has been classified as a Variant of Uncertain Significance.

GeneDx
Classification: Uncertain significance. Last evaluated: 2018-07-02. Review status: criteria provided, single submitter. Criteria: GeneDx Variant Classification (06012015). Collection method: clinical testing. Allele origin: germline. Affected: yes.
Comment: The N7593Y variant in the NEB gene has not been reported previously as a pathogenic variant, nor as a benign variant, to our knowledge. The N7593Y variant was not observed in approximately 6,000 individuals of European and African American ancestry in the NHLBI Exome Sequencing Project, indicating it is not a common benign variant in these populations. The N7593Y variant is a semi-conservative amino acid substitution, which may impact secondary protein structure as these residues differ in some properties. This substitution occurs at a position where amino acids with similar properties to Asparagine are tolerated across species. In silico analysis predicts this variant is probably damaging to the protein structure/function. We interpret N7593Y as a variant of uncertain significance.

Natera, Inc.
Classification: Uncertain significance for Nemaline myopathy type 2. Last evaluated: 2019-11-11. Review status: no assertion criteria provided. Collection method: clinical testing. Allele origin: germline. Not counted in ClinVar's aggregate classification.